The following is an entry in ClinVar:

ClinVar aggregate classification (germline): Benign. Review status: criteria provided, multiple submitters, no conflicts (2 of 4 stars). 7 submissions from 7 submitters: Benign (7). Last evaluated 2024-10-28.

Conditions:
Pancreatic adenocarcinoma. Identifiers: MedGen C0281361, MONDO:0006047, HP:0006725.
Pancreatic cancer, susceptibility to, 1. Identifiers: Orphanet 1333, MedGen C1847351, MONDO:0011739, OMIM 606856.

Allele frequency attached by ClinVar (database versions not stated): 1000 Genomes Project 0.23962; TOPMed 0.27998; gnomAD exomes 0.28058 and 0.31127; 1000 Genomes Project 30x 0.23641; ExAC 0.28514; gnomAD 0.29605 and 0.29267; ESP Exome Variant Server 0.30201.
gnomAD v4.1: 498,446 of 1,613,010 alleles (31%); highest among the groups gnomAD compares: Non-Finnish European, 33%; 78,940 homozygotes.

Submissions (7):

Ambry Genetics
Classification: Benign. Last evaluated: 2024-10-28. Review status: criteria provided, single submitter. Criteria: Ambry Variant Classification Scheme 2023. Collection method: clinical testing. Allele origin: germline.

KCCC/NGS Laboratory, Kuwait Cancer Control Center
Classification: Benign for Pancreatic cancer, susceptibility to, 1. Last evaluated: 2023-07-07. Review status: criteria provided, single submitter. Criteria: ACMG Guidelines, 2015. Collection method: clinical testing. Allele origin: germline. Affected: yes.

Labcorp Genetics (formerly Invitae), Labcorp
Classification: Benign for Pancreatic adenocarcinoma. Last evaluated: 2022-11-22. Review status: criteria provided, single submitter. Criteria: Invitae Variant Classification Sherloc (09022015). Collection method: clinical testing. Allele origin: germline.

Illumina Laboratory Services, Illumina
Classification: Benign for Pancreatic cancer, susceptibility to, 1. Last evaluated: 2018-01-13. Review status: criteria provided, single submitter. Criteria: ICSL Variant Classification Criteria 13 December 2019. Collection method: clinical testing. Allele origin: germline.
Comment: This variant was observed in the ICSL laboratory as part of a predisposition screen in an ostensibly healthy population. It had not been previously curated by ICSL or reported in the Human Gene Mutation Database (HGMD: prior to June 1st, 2018), and was therefore a candidate for classification through an automated scoring system. Utilizing variant allele frequency, disease prevalence and penetrance estimates, and inheritance mode, an automated score was calculated to assess if this variant is too frequent to cause the disease. Based on the score and internal cut-off values, a variant classified as benign is not then subjected to further curation. The score for this variant resulted in a classification of benign for this disease.

Laboratory for Molecular Medicine, Mass General Brigham Personalized Medicine
Classification: Benign. Last evaluated: 2016-03-28. Review status: criteria provided, single submitter. Criteria: LMM Criteria. Collection method: clinical testing. Allele origin: germline.
Comment: Variant identified in a genome or exome case(s) and assessed due to predicted null impact of the variant or pathogenic assertions in the literature or databases. Disclaimer: This variant has not undergone full assessment. The following are preliminary notes: Frequency

GeneDx
Classification: Benign. Last evaluated: 2015-03-03. Review status: criteria provided, single submitter. Criteria: GeneDx Variant Classification Process June 2021. Collection method: clinical testing. Allele origin: germline. Affected: yes.

Breakthrough Genomics
Classification: Benign. Review status: criteria provided, single submitter. Criteria: ACMG Guidelines, 2015. Collection method: not provided. Allele origin: germline. Inheritance: Autosomal dominant inheritance. Affected: yes.

NM_001166108.2(PALLD):c.678C>T (p.Asp226=)

Gene: PALLD (palladin, cytoskeletal associated protein; plus strand). Cytogenetic location: 4q32.3.
Variant type: single nucleotide variant.
Coding change: c.678C>T on transcript NM_001166108.2 (MANE Select); coding-DNA position 678, C replaced by T.
Protein change: p.Asp226=; no amino-acid change (aspartic acid 226 retained).
Molecular consequence: synonymous variant.
Genome position (GRCh38, 1-based): chr4:168,512,182, C>T. VCF-style: chr4-168512182-C-T. GRCh37 (hg19) VCF-style: chr4-169433333-C-T.
Other names: c.678C>T, p.Asp226= (NM_016081.4).
Identifiers: ClinVar variation 348032 (VCV000348032.19), dbSNP rs7673220, ClinGen allele CA3135416.
Genomic context (GRCh38, chr4:168,512,182, plus strand): 5'-TCCTAAAAATCAGCCGTCAGCCCTGCTGAGTGCCTCAGCCAGCCAGAGCCCTATGGAAGA[C>T]CAAGGGGAGATGGAAAGAGAGGTCAAGTCCCCTGGGGCCAGGCATTGCTACCAGGACAAC-3'
Protein context (NP_001159580.1, residues 216-236): SASASQSPME[Asp226=]QGEMEREVKS